The following is an entry in ClinVar:

NM_001457.4(FLNB):c.3734G>C (p.Arg1245Pro)

Gene: FLNB (filamin B; plus strand). Cytogenetic location: 3p14.3.
Variant type: single nucleotide variant.
Coding change: c.3734G>C on transcript NM_001457.4 (MANE Select); coding-DNA position 3734, G replaced by C.
Protein change: p.Arg1245Pro; replaces arginine 1245 with proline.
Molecular consequence: missense variant.
Genome position (GRCh38, 1-based): chr3:58,124,341, G>C. VCF-style: chr3-58124341-G-C. GRCh37 (hg19) VCF-style: chr3-58110068-G-C.
Other names: c.3734G>C, p.Arg1245Pro (NM_001164317.2, NM_001164318.2, NM_001164319.2); short protein forms R1245P.
Identifiers: ClinVar variation 1978780 (VCV001978780.4), dbSNP rs776611311, ClinGen allele CA353349422.
Genomic context (GRCh38, chr3:58,124,341, plus strand): 5'-TTTTGGGTCTGGGGTACTGGTGGCAGTGTTAGCTATGTGCTTGCTCTGCAGATGTGTTCC[G>C]GGAAGCTACCACCGACTTTACAGTTGACTCTCGGCCGCTGACCCAGGTTGGGGGTGACCA-3'
Protein context (NP_001448.2, residues 1235-1255): GPGIEGKDVF[Arg1245Pro]EATTDFTVDS

ClinVar aggregate classification (germline): Uncertain significance (1 of 4 stars; one submission).

gnomAD v4.1: 2 of 1,614,070 alleles (0.00012%); highest among the groups gnomAD compares: Non-Finnish European, 0.000085%; no homozygotes.

Submission:

Labcorp Genetics (formerly Invitae), Labcorp
Classification: Uncertain significance. Last evaluated: 2022-03-23. Review status: criteria provided, single submitter. Criteria: Invitae Variant Classification Sherloc (09022015). Collection method: clinical testing. Allele origin: germline.
Comment: This variant is not present in population databases (gnomAD no frequency). This sequence change replaces arginine, which is basic and polar, with proline, which is neutral and non-polar, at codon 1245 of the FLNB protein (p.Arg1245Pro). This variant has not been reported in the literature in individuals affected with FLNB-related conditions. In summary, the available evidence is currently insufficient to determine the role of this variant in disease. Therefore, it has been classified as a Variant of Uncertain Significance. Advanced modeling of protein sequence and biophysical properties (such as structural, functional, and spatial information, amino acid conservation, physicochemical variation, residue mobility, and thermodynamic stability) performed at Invitae indicates that this missense variant is not expected to disrupt FLNB protein function.